The following is an entry in ClinVar:

NM_177438.3(DICER1):c.955G>T (p.Asp319Tyr)

Gene: DICER1 (dicer 1, ribonuclease III; minus strand). Cytogenetic location: 14q32.13.
Variant type: single nucleotide variant.
Coding change: c.955G>T on transcript NM_177438.3 (MANE Select); coding-DNA position 955, G replaced by T.
Protein change: p.Asp319Tyr; replaces aspartic acid 319 with tyrosine.
Molecular consequence: missense variant. On other transcripts: non-coding transcript variant (6), 5 prime UTR variant (1).
Genome position (GRCh38, 1-based): chr14:95,124,617, C>A on the plus strand (G>T on the coding strand, the complement: DICER1 is on the minus strand). VCF-style: chr14-95124617-C-A. GRCh37 (hg19) VCF-style: chr14-95590954-C-A.
Other names: c.955G>T, p.Asp319Tyr (NM_001395699.1, NM_001395700.1, NM_030621.4 and 14 more transcripts); c.673G>T, p.Asp225Tyr (NM_001395686.1); c.550G>T, p.Asp184Tyr (NM_001395687.1, NM_001395688.1, NM_001395689.1 and 3 more transcripts); c.388G>T, p.Asp130Tyr (NM_001395691.1); c.-614G>T (NM_001395697.1); short protein forms D130Y, D184Y, D225Y, D319Y.
Identifiers: ClinVar variation 4637935 (VCV004637935.1).

ClinVar aggregate classification (germline): Uncertain significance (1 of 4 stars; one submission).

Conditions:
Hereditary cancer-predisposing syndrome. Also called: Neoplastic Syndromes, Hereditary; Tumor predisposition; Hereditary Cancer Syndrome; Hereditary neoplastic syndrome. Identifiers: Orphanet 140162, MedGen C0027672, MeSH D009386, MONDO:0015356.

Submission:

Ambry Genetics
Classification: Uncertain significance for Hereditary cancer-predisposing syndrome. Last evaluated: 2025-12-11. Review status: criteria provided, single submitter. Criteria: Ambry Variant Classification Scheme 2023. Collection method: clinical testing. Allele origin: germline.
Comment: The p.D319Y variant (also known as c.955G>T), located in coding exon 7 of the DICER1 gene, results from a G to T substitution at nucleotide position 955. The aspartic acid at codon 319 is replaced by tyrosine, an amino acid with highly dissimilar properties. This amino acid position is conserved. In addition, this alteration is predicted to be deleterious by in silico analysis. Based on the available evidence, the clinical significance of this variant remains unclear.